The following is an entry in ClinVar:

NM_012186.3(FOXE3):c.3G>A (p.Met1Ile)

Genes: FOXE3 (forkhead box E3; plus strand), LINC01389 (long independently transcribed non-coding RNA 1389; minus strand). Cytogenetic location: 1p33.
Variant type: single nucleotide variant.
Coding change: c.3G>A on transcript NM_012186.3 (MANE Select); coding-DNA position 3, G replaced by A.
Protein change: p.Met1Ile; changes the start codon (methionine 1).
Molecular consequence: missense variant, initiator codon variant.
Genome position (GRCh38, 1-based): chr1:47,416,318, G>A. VCF-style: chr1-47416318-G-A. GRCh37 (hg19) VCF-style: chr1-47881990-G-A.
Other names: short protein forms M1I.
Identifiers: ClinVar variation 2638807 (VCV002638807.24), dbSNP rs1275380745, ClinGen allele CA340248828.

ClinVar aggregate classification (germline): Uncertain significance (1 of 4 stars; one submission).

Submission:

CeGaT Center for Human Genetics Tuebingen
Classification: Uncertain significance. Last evaluated: 2022-03-01. Review status: criteria provided, single submitter. Criteria: CeGaT Center For Human Genetics Tuebingen Variant Classification Criteria Version 2. Collection method: clinical testing. Allele origin: germline. Affected: yes. Observed: 1 variant allele.
Comment: FOXE3: PM2, PP3